The following is an entry in ClinVar:

ClinVar aggregate classification (germline): Pathogenic. Review status: criteria provided, multiple submitters, no conflicts (2 of 4 stars). 3 submissions from 3 submitters: Pathogenic (2). 1 of the submissions does not count toward it. Last evaluated 2023-05-20.

Conditions:
Lipoic acid synthetase deficiency. Also called: HYPERGLYCINEMIA, LACTIC ACIDOSIS, AND SEIZURES. Identifiers: Orphanet 401859, MedGen C3280887, MONDO:0013762, OMIM 614462.

Allele frequency attached by ClinVar (database versions not stated): gnomAD exomes 0.00001.

Submissions (3):

Labcorp Genetics (formerly Invitae), Labcorp
Classification: Pathogenic for Lipoic acid synthetase deficiency. Last evaluated: 2023-05-20. Review status: criteria provided, single submitter. Criteria: Invitae Variant Classification Sherloc (09022015). Collection method: clinical testing. Allele origin: germline.
Comment: For these reasons, this variant has been classified as Pathogenic. ClinVar contains an entry for this variant (Variation ID: 523916). This premature translational stop signal has been observed in individual(s) with LIAS-related conditions (PMID: 36680912). This variant is not present in population databases (gnomAD no frequency). This sequence change creates a premature translational stop signal (p.Leu93*) in the LIAS gene. It is expected to result in an absent or disrupted protein product. Loss-of-function variants in LIAS are known to be pathogenic (PMID: 24334290, 27923773).

GeneDx
Classification: Pathogenic. Last evaluated: 2021-11-23. Review status: criteria provided, single submitter. Criteria: GeneDx Variant Classification Process June 2021. Collection method: clinical testing. Allele origin: germline. Affected: yes.
Comment: Nonsense variant predicted to result in protein truncation or nonsense mediated decay in a gene for which loss-of-function is a known mechanism of disease; Not observed at significant frequency in large population cohorts (Lek et al., 2016); Has not been previously published as pathogenic or benign to our knowledge

OMIM
Classification: Pathogenic for HYPERGLYCINEMIA, LACTIC ACIDOSIS, AND SEIZURES. Last evaluated: 2023-04-24. Review status: no assertion criteria provided. Collection method: literature only. Allele origin: germline. Not counted in ClinVar's aggregate classification.

Literature cited by the submitters: PubMed 36680912 (cited by Labcorp Genetics (formerly Invitae), Labcorp and OMIM); PubMed 24334290 (cited by Labcorp Genetics (formerly Invitae), Labcorp); PubMed 27923773 (cited by Labcorp Genetics (formerly Invitae), Labcorp).

NM_006859.4(LIAS):c.277del (p.Lys92_Leu93insTer)

Gene: LIAS (lipoic acid synthetase; plus strand). Cytogenetic location: 4p14.
Variant type: Deletion.
Coding change: c.277del on transcript NM_006859.4 (MANE Select); coding-DNA position 277, one base deleted (C; older notation c.277delC).
Protein change: p.Lys92_Leu93insTer.
Molecular consequence: nonsense. On other transcripts: intron variant (2).
Genome position (GRCh38, 1-based): chr4:39,462,254, C deleted. VCF-style (leftmost placement, unchanged base first): chr4-39462253-AC-A. GRCh37 (hg19) VCF-style: chr4-39463873-AC-A.
Other names: c.277del, p.Lys92_Leu93insTer (NM_001278590.2, NM_001278591.2, NM_194451.3); c.219-1271del (NM_001363700.2, NM_001278592.2); c.277delC (NM_006859.4, NM_006859.2).
Identifiers: ClinVar variation 523916 (VCV000523916.12), dbSNP rs1553934069, ClinGen allele CA658796425.